The following is an entry in ClinVar:

ClinVar aggregate classification (germline): Uncertain significance (1 of 4 stars; one submission).

Conditions:
Dyskeratosis congenita, autosomal dominant 2. Identifiers: MedGen C3151443, MONDO:0013521, OMIM 613989.
Idiopathic Pulmonary Fibrosis. Also called: Idiopathic fibrosing alveolitis, chronic form; idiopathic fibrosing alveolitis. Identifiers: Orphanet 2032, MedGen C1800706, MeSH D054990, MONDO:0800504.

Submission:

Labcorp Genetics (formerly Invitae), Labcorp
Classification: Uncertain significance for Dyskeratosis congenita, autosomal dominant 2; Idiopathic Pulmonary Fibrosis. Last evaluated: 2023-11-21. Review status: criteria provided, single submitter. Criteria: Invitae Variant Classification Sherloc (09022015). Collection method: clinical testing. Allele origin: germline.
Comment: This sequence change replaces serine, which is neutral and polar, with asparagine, which is neutral and polar, at codon 16 of the TERT protein (p.Ser16Asn). This variant is not present in population databases (gnomAD no frequency). This variant has not been reported in the literature in individuals affected with TERT-related conditions. Advanced modeling of protein sequence and biophysical properties (such as structural, functional, and spatial information, amino acid conservation, physicochemical variation, residue mobility, and thermodynamic stability) performed at Invitae indicates that this missense variant is expected to disrupt TERT protein function with a positive predictive value of 95%. In summary, the available evidence is currently insufficient to determine the role of this variant in disease. Therefore, it has been classified as a Variant of Uncertain Significance.

NM_198253.3(TERT):c.47G>A (p.Ser16Asn)

Genes: TERT (telomerase reverse transcriptase; minus strand), LOC110806263 (TERT 5' regulatory region; plus strand). Cytogenetic location: 5p15.33.
Variant type: single nucleotide variant.
Coding change: c.47G>A on transcript NM_198253.3 (MANE Select); coding-DNA position 47, G replaced by A.
Protein change: p.Ser16Asn; replaces serine 16 with asparagine.
Molecular consequence: missense variant. On other transcripts: non-coding transcript variant (2).
Genome position (GRCh38, 1-based): chr5:1,294,943, C>T on the plus strand (G>A on the coding strand, the complement: TERT is on the minus strand). VCF-style: chr5-1294943-C-T. GRCh37 (hg19) VCF-style: chr5-1295058-C-T.
Other names: c.47G>A, p.Ser16Asn (NM_001193376.3, NM_003219.1); short protein forms S16N.
Identifiers: ClinVar variation 2928524 (VCV002928524.3), dbSNP rs2126692712, ClinGen allele CA359059779.